The following is an entry in ClinVar:

NM_003719.5(PDE8B):c.1881C>T (p.Thr627=)

Gene: PDE8B (phosphodiesterase 8B; plus strand). Cytogenetic location: 5q13.3.
Variant type: single nucleotide variant.
Coding change: c.1881C>T on transcript NM_003719.5 (MANE Select); coding-DNA position 1881, C replaced by T.
Protein change: p.Thr627=; no amino-acid change (threonine 627 retained).
Molecular consequence: synonymous variant.
Genome position (GRCh38, 1-based): chr5:77,413,279, C>T. VCF-style: chr5-77413279-C-T. GRCh37 (hg19) VCF-style: chr5-76709104-C-T.
Other names: c.1590C>T, p.Thr530= (NM_001029851.4); c.1716C>T, p.Thr572= (NM_001029852.4); c.1821C>T, p.Thr607= (NM_001029853.4); c.1740C>T, p.Thr580= (NM_001029854.4); c.1878C>T, p.Thr626= (NM_001349748.3, NM_001349751.3); c.1944C>T, p.Thr648= (NM_001349749.3); c.1641C>T, p.Thr547= (NM_001349750.3); c.1575C>T, p.Thr525= (NM_001349752.3); and 12 more.
Identifiers: ClinVar variation 354165 (VCV000354165.6), dbSNP rs143919281, ClinGen allele CA3315368.

ClinVar aggregate classification (germline): Likely benign. Review status: criteria provided, multiple submitters, no conflicts (2 of 4 stars). 2 submissions from 2 submitters: Likely benign (2). Last evaluated 2024-08-30.

Conditions:
Autosomal dominant striatal neurodegeneration type 1. Identifiers: Orphanet 228169, MedGen C4310808, MONDO:0012205, OMIM 609161.

Allele frequency attached by ClinVar (database versions not stated): gnomAD 0.00002 and 0.00003; ExAC 0.00003; gnomAD exomes 0.00003; TOPMed 0.00004; ESP Exome Variant Server 0.00008.
gnomAD v4.1: 46 of 1,613,602 alleles (0.0029%); highest among the groups gnomAD compares: African/African-American, 0.008%; no homozygotes.

Submissions (2):

Blueprint Genetics
Classification: Likely benign. Last evaluated: 2024-08-30. Review status: criteria provided, single submitter. Criteria: ACMG Guidelines, 2015. Collection method: clinical testing. Allele origin: germline.

Illumina Laboratory Services, Illumina
Classification: Likely benign for Autosomal dominant striatal neurodegeneration type 1. Last evaluated: 2018-01-13. Review status: criteria provided, single submitter. Criteria: ICSL Variant Classification Criteria 13 December 2019. Collection method: clinical testing. Allele origin: germline.
Comment: This variant was observed in the ICSL laboratory as part of a predisposition screen in an ostensibly healthy population. It had not been previously curated by ICSL or reported in the Human Gene Mutation Database (HGMD: prior to June 1st, 2018), and was therefore a candidate for classification through an automated scoring system. Utilizing variant allele frequency, disease prevalence and penetrance estimates, and inheritance mode, an automated score was calculated to assess if this variant is too frequent to cause the disease. Based on the score and internal cut-off values, a variant classified as likely benign is not then subjected to further curation. The score for this variant resulted in a classification of likely benign for this disease.